The following is an entry in ClinVar:

NM_001130965.3(SUN1):c.659-2A>T

Gene: SUN1 (Sad1 and UNC84 domain containing 1; plus strand). Cytogenetic location: 7p22.3.
Variant type: single nucleotide variant.
Coding change: c.659-2A>T on transcript NM_001130965.3 (MANE Select); the canonical splice acceptor site of the intron before coding-DNA position 659, A replaced by T.
Molecular consequence: splice acceptor variant. On other transcripts: intron variant (12).
Genome position (GRCh38, 1-based): chr7:851,382, A>T. VCF-style: chr7-851382-A-T. GRCh37 (hg19) VCF-style: chr7-891019-A-T.
Other names: c.659-2A>T (NM_001367634.1, NM_001367633.1, NM_001367653.1 and 3 more transcripts); c.1073-2A>T (NM_001367651.1); c.686-2A>T (NM_001367669.1); c.1052-2A>T (NM_001367705.1, NM_001367703.1, NM_001367678.1 and 2 more transcripts); c.1052-568A>T (NM_001367690.1); c.941-2A>T (NM_001367641.1, NM_001367682.1, NM_001367698.1); c.941-568A>T (NM_001367676.1, NM_001367675.1, NM_001367640.1); c.968-2A>T (NM_001367692.1, NM_001367677.1); and 24 more.
Identifiers: ClinVar variation 1059035 (VCV001059035.7), dbSNP rs1329817920, ClinGen allele CA366528651.

ClinVar aggregate classification (germline): Uncertain significance (1 of 4 stars; one submission).

Conditions:
Emery-Dreifuss muscular dystrophy (EDMD). Also called: Scapuloperoneal syndrome, X-linked (formerly); Humeroperoneal neuromuscular disease, (formerly). Identifiers: Orphanet 261, MedGen C0410189, MONDO:0016830.

Submission:

Labcorp Genetics (formerly Invitae), Labcorp
Classification: Uncertain significance for Emery-Dreifuss muscular dystrophy. Last evaluated: 2023-05-24. Review status: criteria provided, single submitter. Criteria: Invitae Variant Classification Sherloc (09022015). Collection method: clinical testing. Allele origin: germline.
Comment: In summary, the available evidence is currently insufficient to determine the role of this variant in disease. Therefore, it has been classified as a Variant of Uncertain Significance. This sequence change affects an acceptor splice site in intron 5 of the SUN1 gene. It is expected to disrupt RNA splicing. Variants that disrupt the donor or acceptor splice site typically lead to a loss of protein function (PMID: 16199547), however the current clinical and genetic evidence is not sufficient to establish whether loss-of-function variants in SUN1 cause disease. This variant is not present in population databases (gnomAD no frequency). This variant has not been reported in the literature in individuals affected with SUN1-related conditions. ClinVar contains an entry for this variant (Variation ID: 1059035). Algorithms developed to predict the effect of sequence changes on RNA splicing suggest that this variant may disrupt the consensus splice site.

Literature cited by the submitters: PubMed 16199547.